The following is an entry in ClinVar:

NM_000287.4(PEX6):c.2301C>T (p.Ser767=)

Gene: PEX6 (peroxisomal biogenesis factor 6; minus strand). Cytogenetic location: 6p21.1.
Variant type: single nucleotide variant.
Coding change: c.2301C>T on transcript NM_000287.4 (MANE Select); coding-DNA position 2301, C replaced by T.
Protein change: p.Ser767=; no amino-acid change (serine 767 retained).
Molecular consequence: synonymous variant.
Genome position (GRCh38, 1-based): chr6:42,966,105, G>A on the plus strand (C>T on the coding strand, the complement: PEX6 is on the minus strand). VCF-style: chr6-42966105-G-A. GRCh37 (hg19) VCF-style: chr6-42933843-G-A.
Other names: c.2037C>T, p.Ser679= (NM_001316313.2); c.2301C>T (NM_000287.3).
Identifiers: ClinVar variation 2083213 (VCV002083213.2), dbSNP rs748898941, ClinGen allele CA3811069.

ClinVar aggregate classification (germline): Conflicting classifications of pathogenicity. Review status: criteria provided, conflicting classifications (1 of 4 stars). 2 submissions from 2 submitters: Uncertain significance (1); Likely benign (1). Last evaluated 2025-08-18.

Conditions:
PEX6-related disorder. Also called: PEX6-related disorders; PEX6-related condition.
Peroxisome biogenesis disorder. Identifiers: Orphanet 79189, MedGen C1832200, MONDO:0019234. Disease mechanism: loss of function.

Allele frequency attached by ClinVar (database versions not stated): ExAC 0.00001; gnomAD 0.00001; TOPMed 0.00001; gnomAD exomes 0.00003.
gnomAD v4.1: 47 of 1,613,928 alleles (0.0029%); highest among the groups gnomAD compares: East Asian, 0.053%; no homozygotes.

Submissions (2):

PreventionGenetics, part of Exact Sciences
Classification: Likely benign for PEX6-related condition. Last evaluated: 2025-08-18. Review status: criteria provided, single submitter. Criteria: ACMG Guidelines, 2015. Collection method: clinical testing. Allele origin: germline.
Comment: This variant is classified as likely benign based on ACMG/AMP sequence variant interpretation guidelines (Richards et al. 2015 PMID: 25741868, with internal and published modifications).

Labcorp Genetics (formerly Invitae), Labcorp
Classification: Uncertain significance for Peroxisome biogenesis disorder. Last evaluated: 2022-07-21. Review status: criteria provided, single submitter. Criteria: Invitae Variant Classification Sherloc (09022015). Collection method: clinical testing. Allele origin: germline.
Comment: This sequence change affects codon 767 of the PEX6 mRNA. It is a 'silent' change, meaning that it does not change the encoded amino acid sequence of the PEX6 protein. It affects a nucleotide within the consensus splice site. This variant is present in population databases (rs748898941, gnomAD 0.006%). This variant has not been reported in the literature in individuals affected with PEX6-related conditions. Algorithms developed to predict the effect of sequence changes on RNA splicing suggest that this variant is not likely to affect RNA splicing. In summary, the available evidence is currently insufficient to determine the role of this variant in disease. Therefore, it has been classified as a Variant of Uncertain Significance.